The following is an entry in ClinVar:

ClinVar aggregate classification (germline): Uncertain significance. Review status: criteria provided, multiple submitters, no conflicts (2 of 4 stars). 2 submissions from 2 submitters: Uncertain significance (2). Last evaluated 2025-05-01.

Conditions:
Renal cell carcinoma. Identifiers: Orphanet 217071, MedGen C0007134, MeSH D002292, MONDO:0005086, HP:0005584.
Hereditary cancer-predisposing syndrome. Also called: Tumor predisposition; Neoplastic Syndromes, Hereditary; Hereditary Cancer Syndrome; Hereditary neoplastic syndrome. Identifiers: Orphanet 140162, MedGen C0027672, MeSH D009386, MONDO:0015356.

Submissions (2):

Labcorp Genetics (formerly Invitae), Labcorp
Classification: Uncertain significance for Renal cell carcinoma. Last evaluated: 2025-05-01. Review status: criteria provided, single submitter. Criteria: Invitae Variant Classification Sherloc (09022015). Collection method: clinical testing. Allele origin: germline.
Comment: This sequence change replaces asparagine, which is neutral and polar, with isoleucine, which is neutral and non-polar, at codon 1077 of the MET protein (p.Asn1077Ile). This variant is not present in population databases (gnomAD no frequency). This variant has not been reported in the literature in individuals affected with MET-related conditions. ClinVar contains an entry for this variant (Variation ID: 1729191). Invitae Evidence Modeling of protein sequence and biophysical properties (such as structural, functional, and spatial information, amino acid conservation, physicochemical variation, residue mobility, and thermodynamic stability) indicates that this missense variant is expected to disrupt MET protein function with a positive predictive value of 80%. Algorithms developed to predict the effect of sequence changes on RNA splicing suggest that this variant may create or strengthen a splice site. In summary, the available evidence is currently insufficient to determine the role of this variant in disease. Therefore, it has been classified as a Variant of Uncertain Significance.

Ambry Genetics
Classification: Uncertain significance for Hereditary cancer-predisposing syndrome. Last evaluated: 2015-10-14. Review status: criteria provided, single submitter. Criteria: Ambry Variant Classification Scheme 2023. Collection method: clinical testing. Allele origin: germline.
Comment: The p.N1077I variant (also known as c.3230A>T), located in coding exon 14 of the MET gene, results from an A to T substitution at nucleotide position 3230. The asparagine at codon 1077 is replaced by isoleucine, an amino acid with dissimilar properties. This variant was not reported in population based cohorts in the following databases: Database of Single Nucleotide Polymorphisms (dbSNP), NHLBI Exome Sequencing Project (ESP), and 1000 Genomes Project. In the ESP, this variant was not observed in 6371 samples (12742 alleles) with coverage at this position. To date, this alteration has been detected with an allele frequency of approximately 0.02% (greater than 4500 alleles tested) in our clinical cohort. This amino acid position is well conserved in available vertebrate species. In addition, the in silico prediction for this alteration is inconclusive. Since supporting evidence is limited at this time, the clinical significance of p.N1077I remains unclear.

NM_000245.4(MET):c.3176A>T (p.Asn1059Ile)

Gene: MET (MET proto-oncogene, receptor tyrosine kinase; plus strand). Cytogenetic location: 7q31.2.
Variant type: single nucleotide variant.
Coding change: c.3176A>T on transcript NM_000245.4 (MANE Select); coding-DNA position 3176, A replaced by T.
Protein change: p.Asn1059Ile; replaces asparagine 1059 with isoleucine.
Molecular consequence: missense variant.
Genome position (GRCh38, 1-based): chr7:116,775,028, A>T. VCF-style: chr7-116775028-A-T. GRCh37 (hg19) VCF-style: chr7-116415082-A-T.
Other names: c.3230A>T, p.Asn1077Ile (NM_001127500.3); c.1886A>T, p.Asn629Ile (NM_001324402.2); short protein forms N1059I, N1077I, N629I.
Identifiers: ClinVar variation 1729191 (VCV001729191.3), dbSNP rs2117031351, ClinGen allele CA368988478.